The following is an entry in ClinVar:

ClinVar aggregate classification (germline): Uncertain significance (1 of 4 stars; one submission).

Conditions:
Progressive myoclonic epilepsy type 9. Identifiers: Orphanet 457265, MedGen C4225289, MONDO:0014685, OMIM 616540.
Lipodystrophy, partial, acquired, susceptibility to (APLD). Also called: APLD, SUSCEPTIBILITY TO. Identifiers: MedGen C3887501, MONDO:0100476, OMIM 608709.

gnomAD v4.1: 18 of 1,607,354 alleles (0.0011%); highest among the groups gnomAD compares: East Asian, 0.0045%; no homozygotes.

Submission:

Labcorp Genetics (formerly Invitae), Labcorp
Classification: Uncertain significance for Progressive myoclonic epilepsy type 9; Lipodystrophy, partial, acquired, susceptibility to. Last evaluated: 2024-07-01. Review status: criteria provided, single submitter. Criteria: Invitae Variant Classification Sherloc (09022015). Collection method: clinical testing. Allele origin: germline.
Comment: This sequence change replaces glutamine, which is neutral and polar, with glutamic acid, which is acidic and polar, at codon 283 of the LMNB2 protein (p.Gln283Glu). This variant is present in population databases (rs776966948, gnomAD 0.01%). This missense change has been observed in individual(s) with dyslipidemia (PMID: 32041611). Advanced modeling of protein sequence and biophysical properties (such as structural, functional, and spatial information, amino acid conservation, physicochemical variation, residue mobility, and thermodynamic stability) performed at Invitae indicates that this missense variant is not expected to disrupt LMNB2 protein function with a negative predictive value of 80%. In summary, the available evidence is currently insufficient to determine the role of this variant in disease. Therefore, it has been classified as a Variant of Uncertain Significance.

Literature cited by the submitters: PubMed 32041611.

NM_032737.4(LMNB2):c.847C>G (p.Gln283Glu)

Gene: LMNB2 (lamin B2; minus strand). Cytogenetic location: 19p13.3.
Variant type: single nucleotide variant.
Coding change: c.847C>G on transcript NM_032737.4 (MANE Select); coding-DNA position 847, C replaced by G.
Protein change: p.Gln283Glu; replaces glutamine 283 with glutamic acid.
Molecular consequence: missense variant.
Genome position (GRCh38, 1-based): chr19:2,435,009, G>C on the plus strand (C>G on the coding strand, the complement: LMNB2 is on the minus strand). VCF-style: chr19-2435009-G-C. GRCh37 (hg19) VCF-style: chr19-2435007-G-C.
Other names: short protein forms Q283E.
Identifiers: ClinVar variation 3760817 (VCV003760817.2).